The following is an entry in ClinVar:

NM_018714.3(COG1):c.2752A>G (p.Met918Val)

Gene: COG1 (component of oligomeric golgi complex 1; plus strand). Cytogenetic location: 17q25.1.
Variant type: single nucleotide variant.
Coding change: c.2752A>G on transcript NM_018714.3 (MANE Select); coding-DNA position 2752, A replaced by G.
Protein change: p.Met918Val; replaces methionine 918 with valine.
Molecular consequence: missense variant.
Genome position (GRCh38, 1-based): chr17:73,207,203, A>G. VCF-style: chr17-73207203-A-G. GRCh37 (hg19) VCF-style: chr17-71203342-A-G.
Other names: short protein forms M918V.
Identifiers: ClinVar variation 324976 (VCV000324976.9), dbSNP rs201733537, ClinGen allele CA8740619.
Genomic context (GRCh38, chr17:73,207,203, plus strand): 5'-CTGTTTGTGCTACTAAATTCTTTCCTCTTGTTTTGGAGGTTTGGACTTCTCCCACTGAGC[A>G]TGACAAGCACTCGAAAGGCTAAATCAACCAGAAACATCGAAACAAAAGCTCAGGTTGGTG-3'
Protein context (NP_061184.1, residues 908-928): QIRFGLLPLS[Met918Val]TSTRKAKSTR

ClinVar aggregate classification (germline): Uncertain significance. Review status: criteria provided, multiple submitters, no conflicts (2 of 4 stars). 2 submissions from 2 submitters: Uncertain significance (2). Last evaluated 2025-04-02.

Conditions:
COG1 congenital disorder of glycosylation (CDG2G). Also called: CONGENITAL DISORDER OF GLYCOSYLATION, TYPE IIg; CDG IIg; CDGII/COG1 CEREBROCOSTOMANDIBULAR-LIKE SYNDROME. Identifiers: Orphanet 263508, MedGen C2931011, MONDO:0012637, OMIM 611209.

Allele frequency attached by ClinVar (database versions not stated): gnomAD exomes 0.00006 and 0.00011; ExAC 0.00007; gnomAD 0.00007 and 0.00008; ESP Exome Variant Server 0.00008; TOPMed 0.00009.

Submissions (2):

Labcorp Genetics (formerly Invitae), Labcorp
Classification: Uncertain significance for COG1 congenital disorder of glycosylation. Last evaluated: 2025-04-02. Review status: criteria provided, single submitter. Criteria: Invitae Variant Classification Sherloc (09022015). Collection method: clinical testing. Allele origin: germline.
Comment: This sequence change replaces methionine, which is neutral and non-polar, with valine, which is neutral and non-polar, at codon 918 of the COG1 protein (p.Met918Val). This variant is present in population databases (rs201733537, gnomAD 0.2%). This variant has not been reported in the literature in individuals affected with COG1-related conditions. ClinVar contains an entry for this variant (Variation ID: 324976). Invitae Evidence Modeling of protein sequence and biophysical properties (such as structural, functional, and spatial information, amino acid conservation, physicochemical variation, residue mobility, and thermodynamic stability) has been performed for this missense variant. However, the output from this modeling did not meet the statistical confidence thresholds required to predict the impact of this variant on COG1 protein function. In summary, the available evidence is currently insufficient to determine the role of this variant in disease. Therefore, it has been classified as a Variant of Uncertain Significance.

Illumina Laboratory Services, Illumina
Classification: Uncertain significance for COG1 congenital disorder of glycosylation. Last evaluated: 2018-01-12. Review status: criteria provided, single submitter. Criteria: ICSL Variant Classification Criteria 13 December 2019. Collection method: clinical testing. Allele origin: germline.